The following is an entry in ClinVar:

NM_198525.3(KIF7):c.2758G>C (p.Glu920Gln)

Gene: KIF7 (kinesin family member 7; minus strand). Cytogenetic location: 15q26.1.
Variant type: single nucleotide variant.
Coding change: c.2758G>C on transcript NM_198525.3 (MANE Select); coding-DNA position 2758, G replaced by C.
Protein change: p.Glu920Gln; replaces glutamic acid 920 with glutamine.
Molecular consequence: missense variant.
Genome position (GRCh38, 1-based): chr15:89,632,957, C>G on the plus strand (G>C on the coding strand, the complement: KIF7 is on the minus strand). VCF-style: chr15-89632957-C-G. GRCh37 (hg19) VCF-style: chr15-90176188-C-G.
Other names: short protein forms E920Q.
Identifiers: ClinVar variation 1001457 (VCV001001457.8), dbSNP rs746577567, ClinGen allele CA7727955.

ClinVar aggregate classification (germline): Uncertain significance. Review status: criteria provided, multiple submitters, no conflicts (2 of 4 stars). 3 submissions from 3 submitters: Uncertain significance (3). Last evaluated 2024-01-12.

Conditions:
Acrocallosal syndrome (ACLS). Also called: Schinzel syndrome 1; Absence of corpus callosum with unusual facial appearance, mental deficiency, duplication of the halluces and polydactyly; HALLUX DUPLICATION, POSTAXIAL POLYDACTYLY, AND ABSENCE OF CORPUS CALLOSUM. Identifiers: Orphanet 36, MedGen C0796147, MONDO:0008708, OMIM 200990.
Multiple epiphyseal dysplasia, Al-Gazali type. Also called: Macrocephaly with multiple epiphyseal dysplasia and distinctive facies. Identifiers: Orphanet 166024, MedGen C1846722, MONDO:0011778, OMIM 607131.
Hydrolethalus syndrome 2 (HLS2). Identifiers: Orphanet 2189, MedGen C3279899, MONDO:0013585, OMIM 614120.

Allele frequency attached by ClinVar (database versions not stated): TOPMed 0.00003; gnomAD 0.00005; 1000 Genomes Project 30x 0.00016.
gnomAD v4.1: 9 of 1,598,444 alleles (0.00056%); highest among the groups gnomAD compares: African/African-American, 0.012%; no homozygotes.

Submissions (3):

Fulgent Genetics
Classification: Uncertain significance for Acrocallosal syndrome; Multiple epiphyseal dysplasia, Al-Gazali type; Hydrolethalus syndrome 2. Last evaluated: 2024-01-12. Review status: criteria provided, single submitter. Criteria: ACMG Guidelines, 2015. Collection method: clinical testing. Allele origin: germline.

Labcorp Genetics (formerly Invitae), Labcorp
Classification: Uncertain significance for Acrocallosal syndrome. Last evaluated: 2021-08-28. Review status: criteria provided, single submitter. Criteria: Invitae Variant Classification Sherloc (09022015). Collection method: clinical testing. Allele origin: germline.
Comment: This sequence change replaces glutamic acid with glutamine at codon 920 of the KIF7 protein (p.Glu920Gln). The glutamic acid residue is moderately conserved and there is a small physicochemical difference between glutamic acid and glutamine. This variant is present in population databases (rs746577567, ExAC 0.01%). This variant has not been reported in the literature in individuals affected with KIF7-related conditions. Algorithms developed to predict the effect of missense changes on protein structure and function are either unavailable or do not agree on the potential impact of this missense change (SIFT: "Deleterious"; PolyPhen-2: "Possibly Damaging"; Align-GVGD: "Class C0"). In summary, the available evidence is currently insufficient to determine the role of this variant in disease. Therefore, it has been classified as a Variant of Uncertain Significance.

Blueprint Genetics
Classification: Uncertain significance. Last evaluated: 2021-07-15. Review status: criteria provided, single submitter. Criteria: ACMG Guidelines, 2015. Collection method: clinical testing. Allele origin: germline.